The following is an entry in ClinVar:

NM_018451.5(CPAP):c.3765_3768dup (p.Pro1257fs)

Genes: RNF17 (ring finger protein 17; plus strand), CPAP (centrosome assembly and centriole elongation protein; minus strand). Cytogenetic location: 13q12.12.
Variant type: Duplication.
Coding change: c.3765_3768dup on transcript NM_018451.5 (MANE Select); coding-DNA positions 3765 to 3768, 4 bases duplicated (ATTT; older notation c.3765_3768dupATTT).
Protein change: p.Pro1257fs; shifts the reading frame from proline 1257.
Molecular consequence: frameshift variant. On other transcripts: non-coding transcript variant (2).
Genome position (GRCh38, 1-based): chr13:24,884,019-24,884,022, AAAT duplicated on the plus strand (ATTT on the coding strand, the reverse complement: CPAP is on the minus strand); duplicating any 4 consecutive bases within chr13:24,884,019-24,884,024 gives the same sequence; the c. name uses the placement nearest the transcript's 3' end. VCF-style (leftmost placement, unchanged base first): chr13-24884018-G-GAAAT. GRCh37 (hg19) VCF-style: chr13-25458156-G-GAAAT.
Other names: c.3765_3768dupATTT (NM_018451.5); short protein forms P1257fs.
Identifiers: ClinVar variation 3778765 (VCV003778765.1).

ClinVar aggregate classification (germline): Likely pathogenic (1 of 4 stars; one submission).

Conditions:
Arthrogryposis, renal dysfunction, and cholestasis 1 (ARCS1). Identifiers: Orphanet 2697, MedGen C1859722, MONDO:0008822, OMIM 208085.

Submission:

Daryl Scott Lab, Baylor College of Medicine
Classification: Likely pathogenic for Arthrogryposis, renal dysfunction, and cholestasis 1. Last evaluated: 2024-04-01. Review status: criteria provided, single submitter. Criteria: ACMG Guidelines, 2015. Collection method: clinical testing. Allele origin: paternal. Observed: 1 heterozygote.
Comment: PVS1, PM2